The following is an entry in ClinVar:

NM_002160.4(TNC):c.4472G>A (p.Arg1491Gln)

Gene: TNC (tenascin C; minus strand). Cytogenetic location: 9q33.1.
Variant type: single nucleotide variant.
Coding change: c.4472G>A on transcript NM_002160.4 (MANE Select); coding-DNA position 4472, G replaced by A.
Protein change: p.Arg1491Gln; replaces arginine 1491 with glutamine.
Molecular consequence: missense variant.
Genome position (GRCh38, 1-based): chr9:115,057,260, C>T on the plus strand (G>A on the coding strand, the complement: TNC is on the minus strand). VCF-style: chr9-115057260-C-T. GRCh37 (hg19) VCF-style: chr9-117819539-C-T.
Other names: short protein forms R1491Q.
Identifiers: ClinVar variation 1318423 (VCV001318423.27), dbSNP rs189247379, ClinGen allele CA5207928.

ClinVar aggregate classification (germline): Likely benign. Review status: criteria provided, multiple submitters, no conflicts (2 of 4 stars). 3 submissions from 3 submitters: Likely benign (3). Last evaluated 2023-12-29.

Allele frequency attached by ClinVar (database versions not stated): gnomAD exomes 0.00002 and 0.00004; ExAC 0.00003; gnomAD 0.00004 and 0.00005; TOPMed 0.00007; ESP Exome Variant Server 0.00008; 1000 Genomes Project 0.00040; 1000 Genomes Project 30x 0.00047.
gnomAD v4.1: 39 of 1,614,090 alleles (0.0024%); highest among the groups gnomAD compares: Admixed American, 0.013%; no homozygotes.

Submissions (3):

Blueprint Genetics
Classification: Likely benign. Last evaluated: 2023-12-29. Review status: criteria provided, single submitter. Criteria: ACMG Guidelines, 2015. Collection method: clinical testing. Allele origin: germline.

CeGaT Center for Human Genetics Tuebingen
Classification: Likely benign. Last evaluated: 2023-02-01. Review status: criteria provided, single submitter. Criteria: CeGaT Center For Human Genetics Tuebingen Variant Classification Criteria Version 2. Collection method: clinical testing. Allele origin: germline. Affected: yes. Observed: 1 variant allele.
Comment: TNC: BP4

GeneDx
Classification: Likely benign. Last evaluated: 2019-11-27. Review status: criteria provided, single submitter. Criteria: GeneDx Variant Classification Process June 2021. Collection method: clinical testing. Allele origin: germline. Affected: yes.
Comment: In silico analysis, which includes protein predictors and evolutionary conservation, supports that this variant does not alter protein structure/function; Has not been previously published as pathogenic or benign to our knowledge